The following is an entry in ClinVar:

NM_017837.4(PIGV):c.737del (p.Phe246fs)

Gene: PIGV (phosphatidylinositol glycan anchor biosynthesis class V; plus strand). Cytogenetic location: 1p36.11.
Variant type: Deletion.
Coding change: c.737del on transcript NM_017837.4 (MANE Select); coding-DNA position 737, one base deleted (T; older notation c.737delT).
Protein change: p.Phe246fs; shifts the reading frame from phenylalanine 246.
Molecular consequence: frameshift variant. On other transcripts: non-coding transcript variant (1), intron variant (3).
Genome position (GRCh38, 1-based): chr1:26,794,771, T deleted; the last of 2 consecutive T bases (chr1:26,794,770-26,794,771); deleting either gives the same sequence. VCF-style (leftmost placement, unchanged base first): chr1-26794769-GT-G. GRCh37 (hg19) VCF-style: chr1-27121260-GT-G.
Other names: c.737del, p.Phe246fs (NM_001202554.2, NM_001374478.1, NM_001374480.1 and 2 more transcripts); c.356del, p.Phe119fs (NM_001374483.1); c.173-63del (NM_001374484.1, NM_001374485.1); c.79-2792del (NM_001374486.1); short protein forms F246fs, F119fs.
Identifiers: ClinVar variation 1510889 (VCV001510889.6), dbSNP rs2124196083, ClinGen allele CA2573132228.

ClinVar aggregate classification (germline): Uncertain significance (1 of 4 stars; one submission).

Submission:

Labcorp Genetics (formerly Invitae), Labcorp
Classification: Uncertain significance. Last evaluated: 2022-08-16. Review status: criteria provided, single submitter. Criteria: Invitae Variant Classification Sherloc (09022015). Collection method: clinical testing. Allele origin: germline.
Comment: In summary, the available evidence is currently insufficient to determine the role of this variant in disease. Therefore, it has been classified as a Variant of Uncertain Significance. ClinVar contains an entry for this variant (Variation ID: 1510889). This variant has not been reported in the literature in individuals affected with PIGV-related conditions. This variant is not present in population databases (gnomAD no frequency). This sequence change creates a premature translational stop signal (p.Phe246Serfs*34) in the PIGV gene. It is expected to result in an absent or disrupted protein product. However, the current clinical and genetic evidence is not sufficient to establish whether loss-of-function variants in PIGV cause disease.